The following is an entry in ClinVar:

ClinVar aggregate classification (germline): Pathogenic (1 of 4 stars; one submission).

Conditions:
Hereditary cancer-predisposing syndrome. Also called: Hereditary Cancer Syndrome; Hereditary neoplastic syndrome; Neoplastic Syndromes, Hereditary; Tumor predisposition. Identifiers: Orphanet 140162, MedGen C0027672, MeSH D009386, MONDO:0015356.

Submission:

Ambry Genetics
Classification: Pathogenic for Hereditary cancer-predisposing syndrome. Last evaluated: 2023-05-13. Review status: criteria provided, single submitter. Criteria: Ambry Variant Classification Scheme 2023. Collection method: clinical testing. Allele origin: germline.
Comment: The c.7455_7462delCCGACTTT variant, located in coding exon 49 of the ATM gene, results from a deletion of 8 nucleotides at nucleotide positions 7455 to 7462, causing a translational frameshift with a predicted alternate stop codon (p.F2485Lfs*6). This alteration is expected to result in loss of function by premature protein truncation or nonsense-mediated mRNA decay. As such, this alteration is interpreted as a disease-causing mutation.

NM_000051.4(ATM):c.7455_7462del (p.Phe2485fs)

Genes: ATM (ATM serine/threonine kinase; plus strand), C11orf65 (chromosome 11 open reading frame 65; minus strand). Cytogenetic location: 11q22.3.
Variant type: Deletion.
Coding change: c.7455_7462del on transcript NM_000051.4 (MANE Select); coding-DNA positions 7455 to 7462, 8 bases deleted (CCGACTTT; older notation c.7455_7462delCCGACTTT).
Protein change: p.Phe2485fs; shifts the reading frame from phenylalanine 2485.
Molecular consequence: frameshift variant. On other transcripts: intron variant (2).
Genome position (GRCh38, 1-based): chr11:108,330,361-108,330,368, CCGACTTT deleted; deleting any 8 consecutive bases within chr11:108,330,359-108,330,368 gives the same sequence; the c. name uses the placement nearest the transcript's 3' end. VCF-style (leftmost placement, unchanged base first): chr11-108330358-ATTCCGACT-A. GRCh37 (hg19) VCF-style: chr11-108201085-ATTCCGACT-A.
Other names: c.7455_7462del, p.Phe2485fs (NM_001351834.2); c.641-21295_641-21288del (NM_001330368.2); c.*38+4854_*38+4861del (NM_001351110.2); short protein forms F2485fs.
Identifiers: ClinVar variation 2568205 (VCV002568205.2), dbSNP rs2547263486, ClinGen allele CA2580615038.
Genomic context (GRCh38, chr11:108,330,358, plus strand): 5'-TAAAGCAGTTGAAAATTATATCAACTGCTTATTAAGTGGAGAAGAACATGATATGTGGGT[ATTCCGACT>A]TTGTTCCCTCTGGCTTGAAAATTCTGGAGTTTCTGAAGTCAATGGCATGATGAAGGCAAG-3'